The following is an entry in ClinVar:

NM_006000.3(TUBA4A):c.468G>C (p.Arg156=)

Gene: TUBA4A (tubulin alpha 4a; minus strand). Cytogenetic location: 2q35.
Variant type: single nucleotide variant.
Coding change: c.468G>C on transcript NM_006000.3 (MANE Select); coding-DNA position 468, G replaced by C.
Protein change: p.Arg156=; no amino-acid change (arginine 156 retained).
Molecular consequence: synonymous variant.
Genome position (GRCh38, 1-based): chr2:219,251,231, C>G on the plus strand (G>C on the coding strand, the complement: TUBA4A is on the minus strand). VCF-style: chr2-219251231-C-G. GRCh37 (hg19) VCF-style: chr2-220115953-C-G.
Other names: c.423G>C, p.Arg141= (NM_001278552.2).
Identifiers: ClinVar variation 4990622 (VCV004990622.1).

ClinVar aggregate classification (germline): Likely benign (1 of 4 stars; one submission).

Conditions:
TUBA4A-related disorder. Also called: TUBA4A-related condition.

Submission:

PreventionGenetics, part of Exact Sciences
Classification: Likely benign for TUBA4A-related condition. Last evaluated: 2025-02-13. Review status: criteria provided, single submitter. Criteria: ACMG Guidelines, 2015. Collection method: clinical testing. Allele origin: germline.
Comment: This variant is classified as likely benign based on ACMG/AMP sequence variant interpretation guidelines (Richards et al. 2015 PMID: 25741868, with internal and published modifications).